The following is an entry in ClinVar:

NM_000245.4(MET):c.969C>A (p.Ser323Arg)

Gene: MET (MET proto-oncogene, receptor tyrosine kinase; plus strand). Cytogenetic location: 7q31.2.
Variant type: single nucleotide variant.
Coding change: c.969C>A on transcript NM_000245.4 (MANE Select); coding-DNA position 969, C replaced by A.
Protein change: p.Ser323Arg; replaces serine 323 with arginine.
Molecular consequence: missense variant. On other transcripts: intron variant (1).
Genome position (GRCh38, 1-based): chr7:116,700,053, C>A. VCF-style: chr7-116700053-C-A. GRCh37 (hg19) VCF-style: chr7-116340107-C-A.
Other names: c.969C>A, p.Ser323Arg (NM_001127500.3, NM_001324401.3); c.-91+27476C>A (NM_001324402.2); short protein forms S323R.
Identifiers: ClinVar variation 4053968 (VCV004053968.1).

ClinVar aggregate classification (germline): Uncertain significance (1 of 4 stars; one submission).

Conditions:
Hereditary cancer-predisposing syndrome. Also called: Neoplastic Syndromes, Hereditary; Tumor predisposition; Hereditary neoplastic syndrome; Hereditary Cancer Syndrome. Identifiers: Orphanet 140162, MedGen C0027672, MeSH D009386, MONDO:0015356.

Submission:

Ambry Genetics
Classification: Uncertain significance for Hereditary cancer-predisposing syndrome. Last evaluated: 2025-05-05. Review status: criteria provided, single submitter. Criteria: Ambry Variant Classification Scheme 2023. Collection method: clinical testing. Allele origin: germline.
Comment: The p.S323R variant (also known as c.969C>A), located in coding exon 1 of the MET gene, results from a C to A substitution at nucleotide position 969. The serine at codon 323 is replaced by arginine, an amino acid with dissimilar properties. This amino acid position is conserved. In addition, this alteration is predicted to be tolerated by in silico analysis. Based on the available evidence, the clinical significance of this variant remains unclear.